The following is an entry in ClinVar:

NM_000245.4(MET):c.910A>G (p.Arg304Gly)

Gene: MET (MET proto-oncogene, receptor tyrosine kinase; plus strand). Cytogenetic location: 7q31.2.
Variant type: single nucleotide variant.
Coding change: c.910A>G on transcript NM_000245.4 (MANE Select); coding-DNA position 910, A replaced by G.
Protein change: p.Arg304Gly; replaces arginine 304 with glycine.
Molecular consequence: missense variant. On other transcripts: intron variant (1).
Genome position (GRCh38, 1-based): chr7:116,699,994, A>G. VCF-style: chr7-116699994-A-G. GRCh37 (hg19) VCF-style: chr7-116340048-A-G.
Other names: c.910A>G, p.Arg304Gly (NM_001127500.3, NM_001324401.3); c.-91+27417A>G (NM_001324402.2); short protein forms R304G.
Identifiers: ClinVar variation 1721504 (VCV001721504.5), dbSNP rs2116600751, ClinGen allele CA368970125.

ClinVar aggregate classification (germline): Uncertain significance (1 of 4 stars; one submission).

Conditions:
Renal cell carcinoma. Identifiers: Orphanet 217071, MedGen C0007134, MeSH D002292, MONDO:0005086, HP:0005584.

Submission:

Labcorp Genetics (formerly Invitae), Labcorp
Classification: Uncertain significance for Renal cell carcinoma. Last evaluated: 2022-10-13. Review status: criteria provided, single submitter. Criteria: Invitae Variant Classification Sherloc (09022015). Collection method: clinical testing. Allele origin: germline.
Comment: This sequence change replaces arginine, which is basic and polar, with glycine, which is neutral and non-polar, at codon 304 of the MET protein (p.Arg304Gly). This variant is not present in population databases (gnomAD no frequency). This variant has not been reported in the literature in individuals affected with MET-related conditions. Advanced modeling of protein sequence and biophysical properties (such as structural, functional, and spatial information, amino acid conservation, physicochemical variation, residue mobility, and thermodynamic stability) has been performed at Invitae for this missense variant, however the output from this modeling did not meet the statistical confidence thresholds required to predict the impact of this variant on MET protein function. In summary, the available evidence is currently insufficient to determine the role of this variant in disease. Therefore, it has been classified as a Variant of Uncertain Significance.